The following is an entry in ClinVar:

NM_000052.7(ATP7A):c.46G>T (p.Gly16Cys)

Gene: ATP7A (ATPase copper transporting alpha; plus strand). Cytogenetic location: Xq21.1.
Variant type: single nucleotide variant.
Coding change: c.46G>T on transcript NM_000052.7 (MANE Select); coding-DNA position 46, G replaced by T.
Protein change: p.Gly16Cys; replaces glycine 16 with cysteine.
Molecular consequence: missense variant. On other transcripts: non-coding transcript variant (1).
Genome position (GRCh38, 1-based): chrX:77,971,687, G>T. VCF-style: chrX-77971687-G-T. GRCh37 (hg19) VCF-style: chrX-77227184-G-T.
Other names: c.46G>T, p.Gly16Cys (NM_001282224.2); short protein forms G16C.
Identifiers: ClinVar variation 2943760 (VCV002943760.3), dbSNP rs2522252235, ClinGen allele CA413597699.

ClinVar aggregate classification (germline): Uncertain significance (1 of 4 stars; one submission).

Conditions:
Menkes kinky-hair syndrome (MNK). Also called: Copper transport disease; Menkes Disease; Classic Menkes Disease. Identifiers: Orphanet 565, MedGen C0022716, MONDO:0010651, OMIM 309400.
Cutis laxa, X-linked (OHS). Also called: EDS IX; Occipital horn syndrome. Identifiers: Orphanet 198, MedGen C0268353, MONDO:0010572, OMIM 304150.
X-linked distal spinal muscular atrophy type 3. Also called: ATP7A-Related Distal Motor Neuropathy; SPINAL MUSCULAR ATROPHY, DISTAL, X-LINKED RECESSIVE; NEURONOPATHY, DISTAL HEREDITARY MOTOR, X-LINKED; NEUROPATHY, DISTAL HEREDITARY MOTOR, X-LINKED. Identifiers: Orphanet 139557, MedGen C1845359, MONDO:0010338, OMIM 300489.

Submission:

Labcorp Genetics (formerly Invitae), Labcorp
Classification: Uncertain significance for X-linked distal spinal muscular atrophy type 3; Cutis laxa, X-linked; Menkes kinky-hair syndrome. Last evaluated: 2023-02-18. Review status: criteria provided, single submitter. Criteria: Invitae Variant Classification Sherloc (09022015). Collection method: clinical testing. Allele origin: germline.
Comment: In summary, the available evidence is currently insufficient to determine the role of this variant in disease. Therefore, it has been classified as a Variant of Uncertain Significance. Advanced modeling of protein sequence and biophysical properties (such as structural, functional, and spatial information, amino acid conservation, physicochemical variation, residue mobility, and thermodynamic stability) has been performed at Invitae for this missense variant, however the output from this modeling did not meet the statistical confidence thresholds required to predict the impact of this variant on ATP7A protein function. This variant has not been reported in the literature in individuals affected with ATP7A-related conditions. This variant is not present in population databases (gnomAD no frequency). This sequence change replaces glycine, which is neutral and non-polar, with cysteine, which is neutral and slightly polar, at codon 16 of the ATP7A protein (p.Gly16Cys).